The following is an entry in ClinVar:

NM_001182.5(ALDH7A1):c.518-1G>C

Gene: ALDH7A1 (aldehyde dehydrogenase 7 family member A1; minus strand). Cytogenetic location: 5q23.2.
Variant type: single nucleotide variant.
Coding change: c.518-1G>C on transcript NM_001182.5 (MANE Select); the canonical splice acceptor site of the intron before coding-DNA position 518, G replaced by C.
Molecular consequence: splice acceptor variant.
Genome position (GRCh38, 1-based): chr5:126,577,212, C>G on the plus strand (G>C on the coding strand, the complement: ALDH7A1 is on the minus strand). VCF-style: chr5-126577212-C-G. GRCh37 (hg19) VCF-style: chr5-125912904-C-G.
Other names: IVS5AS, G-C, -1; c.518-1G>C (NM_001202404.2); c.434-1G>C (NM_001201377.2).
Identifiers: ClinVar variation 17996 (VCV000017996.18), dbSNP rs779494572, ClinGen allele CA3389740.

ClinVar aggregate classification (germline): Pathogenic. Review status: criteria provided, multiple submitters, no conflicts (2 of 4 stars). 5 submissions from 5 submitters: Pathogenic (4). 1 of the submissions does not count toward it. Last evaluated 2025-10-09.

Conditions:
Pyridoxine-dependent epilepsy (EPEO4). Also called: EPILEPSY, EARLY-ONSET, 4, VITAMIN B6-DEPENDENT; PYRIDOXINE DEPENDENCY WITH SEIZURES; Pyridoxine-Dependent Epilepsy - ALDH7A1; Pyridoxine-Dependent Seizures. Identifiers: Orphanet 3006, MedGen C1849508, MONDO:0009945, OMIM 266100. Disease mechanism: loss of function.

Allele frequency attached by ClinVar (database versions not stated): gnomAD exomes below 0.00001; ExAC 0.00001.
gnomAD v4.1: 4 of 1,614,078 alleles (0.00025%); highest among the groups gnomAD compares: Non-Finnish European, 0.00034%; no homozygotes.

Submissions (6):

Labcorp Genetics (formerly Invitae), Labcorp
Classification: Pathogenic for Pyridoxine-dependent epilepsy. Last evaluated: 2025-10-09. Review status: criteria provided, single submitter. Criteria: Invitae Variant Classification Sherloc (09022015). Collection method: clinical testing. Allele origin: germline.
Comment: This sequence change affects an acceptor splice site in intron 5 of the ALDH7A1 gene. It is expected to disrupt RNA splicing. Variants that disrupt the donor or acceptor splice site typically lead to a loss of protein function (PMID: 16199547), and loss-of-function variants in ALDH7A1 are known to be pathogenic (PMID: 16491085, 20554659). This variant is present in population databases (rs779494572, gnomAD 0.002%). Disruption of this splice site has been observed in individual(s) with pyridoxine-dependent epilepsy (PMID: 20554659). It has also been observed to segregate with disease in related individuals. ClinVar contains an entry for this variant (Variation ID: 17996). Algorithms developed to predict the effect of sequence changes on RNA splicing suggest that this variant may disrupt the consensus splice site. For these reasons, this variant has been classified as Pathogenic.

Fulgent Genetics
Classification: Pathogenic for Pyridoxine-dependent epilepsy. Last evaluated: 2024-05-20. Review status: criteria provided, single submitter. Criteria: ACMG Guidelines, 2015. Collection method: clinical testing. Allele origin: germline.

Genome-Nilou Lab
Classification: Pathogenic for Pyridoxine-dependent epilepsy. Last evaluated: 2023-04-11. Review status: criteria provided, single submitter. Criteria: ACMG Guidelines, 2015. Collection method: clinical testing. Allele origin: germline. Affected: no.

Centre of Medical Genetics, University Hospital Muenster
Classification: Pathogenic. Last evaluated: 2022-06-08. Review status: criteria provided, single submitter. Criteria: ACMG Guidelines, 2015. Collection method: clinical testing. Allele origin: unknown. Affected: yes. Observed: 1 variant allele, 1 heterozygote.
Comment: ACMG categories: PVS1,PS4,PM2,PP5

OMIM
Classification: Pathogenic for EPILEPSY, EARLY-ONSET, 4, VITAMIN B6-DEPENDENT. Last evaluated: 2006-03-01. Review status: no assertion criteria provided. Collection method: literature only. Allele origin: germline. Not counted in ClinVar's aggregate classification.

Dr. Peter K. Rogan Lab, Western University
No classification provided (evidence only). Condition: Cervical cancer. Review status: no classification provided. Collection method: in vitro. Allele origin: not applicable. Functional consequence: retained intron. Not counted in ClinVar's aggregate classification.

Literature cited by the submitters: PubMed 16199547 (cited by Labcorp Genetics (formerly Invitae), Labcorp); PubMed 16491085 (cited by Labcorp Genetics (formerly Invitae), Labcorp and OMIM); PubMed 20554659 (cited by Labcorp Genetics (formerly Invitae), Labcorp).